The following is an entry in ClinVar:

ClinVar aggregate classification (germline): Pathogenic/Likely pathogenic. Review status: criteria provided, multiple submitters, no conflicts (2 of 4 stars). 2 submissions from 2 submitters: Pathogenic (1); Likely pathogenic (1). Last evaluated 2024-08-02.

Conditions:
Juvenile polyposis syndrome (JPS). Identifiers: Orphanet 2929, MedGen C0345893, MONDO:0017380, OMIM 174900.

Submissions (2):

GeneDx
Classification: Likely pathogenic. Last evaluated: 2024-08-02. Review status: criteria provided, single submitter. Criteria: GeneDx Variant Classification Process June 2021. Collection method: clinical testing. Allele origin: germline. Affected: yes.
Comment: Frameshift variant predicted to result in abnormal protein length as the last 105 amino acids are replaced with 19 different amino acids, and other similar variants have been reported in HGMD; Not observed at significant frequency in large population cohorts (gnomAD); Observed in individuals with a personal history of juvenile polyposis, as well as other polyp histology (PMID: 23399955); This variant is associated with the following publications: (PMID: 15235019, 17873119, 18823382, 23399955)

Labcorp Genetics (formerly Invitae), Labcorp
Classification: Pathogenic for Juvenile polyposis syndrome. Last evaluated: 2022-08-05. Review status: criteria provided, single submitter. Criteria: Invitae Variant Classification Sherloc (09022015). Collection method: clinical testing. Allele origin: germline.
Comment: For these reasons, this variant has been classified as Pathogenic. This variant disrupts a region of the SMAD4 protein in which other variant(s) (p.His530Thrfs*47) have been determined to be pathogenic (PMID: 18178612; Invitae). This suggests that this is a clinically significant region of the protein, and that variants that disrupt it are likely to be disease-causing. ClinVar contains an entry for this variant (Variation ID: 572588). This premature translational stop signal has been observed in individual(s) with juvenile polyposis (PMID: 23399955). This variant is not present in population databases (gnomAD no frequency). This sequence change creates a premature translational stop signal (p.Gln448Leufs*20) in the SMAD4 gene. While this is not anticipated to result in nonsense mediated decay, it is expected to disrupt the last 105 amino acid(s) of the SMAD4 protein.

Literature cited by the submitters: PubMed 18178612 (cited by Labcorp Genetics (formerly Invitae), Labcorp); PubMed 23399955 (cited by Labcorp Genetics (formerly Invitae), Labcorp).

NM_005359.6(SMAD4):c.1343_1367del (p.Gln448fs)

Gene: SMAD4 (SMAD family member 4; plus strand). Cytogenetic location: 18q21.2.
Variant type: Deletion.
Coding change: c.1343_1367del on transcript NM_005359.6 (MANE Select); coding-DNA positions 1343 to 1367, 25 bases deleted (AGCAGCAGGCGGCTACTGCACAAGC).
Protein change: p.Gln448fs; shifts the reading frame from glutamine 448.
Molecular consequence: frameshift variant.
Genome position (GRCh38, 1-based): chr18:51,076,672-51,076,696, AGCAGCAGGCGGCTACTGCACAAGC deleted; deleting any 25 consecutive bases within chr18:51,076,670-51,076,696 gives the same sequence; the c. name uses the placement nearest the transcript's 3' end. VCF-style (leftmost placement, unchanged base first): chr18-51076669-TGCAGCAGCAGGCGGCTACTGCACAA-T. GRCh37 (hg19) VCF-style: chr18-48603039-TGCAGCAGCAGGCGGCTACTGCACAA-T.
Other names: c.1343_1367delAGCAGCAGGCGGCTACTGCACAAGC (NM_005359.5); c.1343_1367del (NM_005359.5); short protein forms Q448fs.
Identifiers: ClinVar variation 572588 (VCV000572588.12), dbSNP rs1568211187, ClinGen allele CA645609185.